The following is an entry in ClinVar:

ClinVar aggregate classification (germline): Likely pathogenic (1 of 4 stars; one submission).

Conditions:
Hereditary cancer-predisposing syndrome. Also called: Neoplastic Syndromes, Hereditary; Tumor predisposition; Hereditary Cancer Syndrome; Hereditary neoplastic syndrome. Identifiers: Orphanet 140162, MedGen C0027672, MeSH D009386, MONDO:0015356.

Submission:

Ambry Genetics
Classification: Likely pathogenic for Hereditary cancer-predisposing syndrome. Last evaluated: 2026-06-10. Review status: criteria provided, single submitter. Criteria: Ambry Variant Classification Scheme 2023. Collection method: clinical testing. Allele origin: germline.
Comment: The c.3746+1G>C intronic variant results from a G to C substitution one nucleotide after coding exon 24 of the ATM gene. Other variant(s) impacting the same donor site (c.3746+1G>A) have been identified in conjunction with other ATM variant(s) in individual(s) with features consistent with ataxia telangiectasia (Micol R et al. J Allergy Clin Immunol, 2011 Aug;128:382-9.e1; M&eacute;neret A et al. Neurology, 2014 Sep;83:1087-95). This variant is considered to be rare based on population cohorts in the Genome Aggregation Database (gnomAD). This nucleotide position is highly conserved in available vertebrate species. In silico splice site analysis predicts that this alteration will weaken the native splice donor site. Variants that disrupt the canonical splice site are expected to cause aberrant splicing, resulting in an abnormal protein or a transcript that is subject to nonsense-mediated mRNA decay. As such, this variant is classified as likely pathogenic.

NM_000051.4(ATM):c.3746+1G>C

Gene: ATM (ATM serine/threonine kinase; plus strand). Cytogenetic location: 11q22.3.
Variant type: single nucleotide variant.
Coding change: c.3746+1G>C on transcript NM_000051.4 (MANE Select); the canonical splice donor site of the intron after coding-DNA position 3746, G replaced by C.
Molecular consequence: splice donor variant.
Genome position (GRCh38, 1-based): chr11:108,282,880, G>C. VCF-style: chr11-108282880-G-C. GRCh37 (hg19) VCF-style: chr11-108153607-G-C.
Other names: c.3746+1G>C (NM_001351834.2).
Identifiers: ClinVar variation 4867110 (VCV004867110.1).